The following is an entry in ClinVar:

NM_004092.4(ECHS1):c.415-211T>C

Gene: ECHS1 (enoyl-CoA hydratase, short chain 1; minus strand). Cytogenetic location: 10q26.3.
Variant type: single nucleotide variant.
Coding change: c.415-211T>C on transcript NM_004092.4 (MANE Select); 211 bases into the intron before coding-DNA position 415, T replaced by C.
Molecular consequence: intron variant.
Genome position (GRCh38, 1-based): chr10:133,369,233, A>G on the plus strand (T>C on the coding strand, the complement: ECHS1 is on the minus strand). VCF-style: chr10-133369233-A-G. GRCh37 (hg19) VCF-style: chr10-135182737-A-G.
Identifiers: ClinVar variation 669486 (VCV000669486.2), dbSNP rs114753168, ClinGen allele CA13234405.
Genomic context (GRCh38, chr10:133,369,233, plus strand): 5'-ATAAGTTAACTACAGATGGTTGATGCTGTTTACCAGGGGCTGGCAAACATCCTGTAAAGG[A>G]CCATGAGGGTCTTACAGGCTCTGCTGCCACGACTCAACTCTGCTGCTGTGGCCGAAATGC-3'

ClinVar aggregate classification (germline): Benign. Review status: criteria provided, multiple submitters, no conflicts (2 of 4 stars). 2 submissions from 2 submitters: Benign (2). Last evaluated 2018-06-16.

Allele frequency attached by ClinVar (database versions not stated): 1000 Genomes Project 0.05891; 1000 Genomes Project 30x 0.06309; gnomAD 0.06457 and 0.06635; TOPMed 0.06723.
gnomAD v4.1: 9,851 of 152,200 alleles (6.5%); highest among the groups gnomAD compares: African/African-American, 11%; 411 homozygotes.

Submissions (2):

GeneDx
Classification: Benign. Last evaluated: 2018-06-16. Review status: criteria provided, single submitter. Criteria: GeneDx Variant Classification (06012015). Collection method: clinical testing. Allele origin: germline. Affected: yes.
Comment: This variant is considered likely benign or benign based on one or more of the following criteria: it is a conservative change, it occurs at a poorly conserved position in the protein, it is predicted to be benign by multiple in silico algorithms, and/or has population frequency not consistent with disease.

Breakthrough Genomics
Classification: Benign. Review status: criteria provided, single submitter. Criteria: ACMG Guidelines, 2015. Collection method: not provided. Allele origin: germline. Inheritance: Autosomal recessive inheritance. Affected: yes.